The following is an entry in ClinVar:

NM_001040716.2(PC):c.467G>C (p.Arg156Pro)

Gene: PC (pyruvate carboxylase; minus strand). Cytogenetic location: 11q13.2.
Variant type: single nucleotide variant.
Coding change: c.467G>C on transcript NM_001040716.2 (MANE Select); coding-DNA position 467, G replaced by C.
Protein change: p.Arg156Pro; replaces arginine 156 with proline.
Molecular consequence: missense variant.
Genome position (GRCh38, 1-based): chr11:66,871,335, C>G on the plus strand (G>C on the coding strand, the complement: PC is on the minus strand). VCF-style: chr11-66871335-C-G. GRCh37 (hg19) VCF-style: chr11-66638806-C-G.
Other names: p.Arg156Pro; c.467G>C (NM_001040716.1); c.467G>C, p.Arg156Pro (NM_000920.4, NM_022172.3); short protein forms R156P.
Identifiers: ClinVar variation 3252014 (VCV003252014.2), dbSNP rs119103241.

ClinVar aggregate classification (germline): Conflicting classifications of pathogenicity. Review status: criteria provided, conflicting classifications (1 of 4 stars). 2 submissions from 2 submitters: Likely pathogenic (1); Uncertain significance (1). Last evaluated 2026-01-31.

Conditions:
PC-related disorder. Also called: PC-related condition.
Pyruvate carboxylase deficiency. Also called: ATAXIA WITH LACTIC ACIDOSIS II; LEIGH NECROTIZING ENCEPHALOPATHY DUE TO PYRUVATE CARBOXYLASE DEFICIENCY; LEIGH SYNDROME DUE TO PYRUVATE CARBOXYLASE DEFICIENCY; PC DEFICIENCY; Pyruvate Carboxylase Deficiency Disease. Identifiers: Orphanet 3008, MedGen C0034341, MONDO:0009949, OMIM 266150.

gnomAD v4.1: 1 of 1,613,956 alleles (0.000062%); highest among the groups gnomAD compares: Non-Finnish European, 0.000085%; no homozygotes.

Submissions (2):

PreventionGenetics, part of Exact Sciences
Classification: Uncertain significance for PC-related condition. Last evaluated: 2026-01-31. Review status: criteria provided, single submitter. Criteria: ACMG Guidelines, 2015. Collection method: clinical testing. Allele origin: germline.
Comment: The PC c.467G>C variant is predicted to result in the amino acid substitution p.Arg156Pro. This variant has been reported in the homozygous state in an individual with pyruvate carboxylase deficiency (Maryami et al. 2023. PubMed ID: 37873728). This variant has not been reported in a large population database (gnomAD), indicating it is rare. Another missense variant affecting the same amino acid (p.Arg156Gln) has also been reported in the homozygous state in individuals with pyruvate carboxylase deficiency (Monnot et al. 2009. PubMed ID: 19306334). Although we suspect that this variant may be pathogenic, at this time, the clinical significance of this variant is uncertain due to the absence of conclusive functional and genetic evidence.

Molecular Diagnostics Laboratory, M Health Fairview: University of Minnesota
Classification: Likely pathogenic for Pyruvate carboxylase deficiency. Last evaluated: 2024-05-09. Review status: criteria provided, single submitter. Criteria: ACMG Guidelines, 2015. Collection method: clinical testing. Allele origin: germline. Affected: yes.